The following is an entry in ClinVar:

NM_000264.5(PTCH1):c.521C>T (p.Ala174Val)

Gene: PTCH1 (patched 1; minus strand). Cytogenetic location: 9q22.32.
Variant type: single nucleotide variant.
Coding change: c.521C>T on transcript NM_000264.5 (MANE Select); coding-DNA position 521, C replaced by T.
Protein change: p.Ala174Val; replaces alanine 174 with valine.
Molecular consequence: missense variant. On other transcripts: non-coding transcript variant (1).
Genome position (GRCh38, 1-based): chr9:95,485,748, G>A on the plus strand (C>T on the coding strand, the complement: PTCH1 is on the minus strand). VCF-style: chr9-95485748-G-A. GRCh37 (hg19) VCF-style: chr9-98248030-G-A.
Other names: c.323C>T, p.Ala108Val (NM_001083602.3, NM_001354919.2); c.518C>T, p.Ala173Val (NM_001083603.3); c.68C>T, p.Ala23Val (NM_001083604.3, NM_001083605.3, NM_001083606.3 and 1 more transcripts); c.521C>T, p.Ala174Val (NM_001354918.2); c.521C>T (NM_000264.4); short protein forms A108V, A174V, A23V, A173V.
Identifiers: ClinVar variation 225289 (VCV000225289.17), dbSNP rs772368023, ClinGen allele CA358323.
Genomic context (GRCh38, chr9:95,485,748, plus strand): 5'-TTGTACATGTATACATGGACACGGCTGGCCTGGAGTGCCGAGTCCAGGTGTTGTAGGAGC[G>A]CTTCTGTGGTCAGGACATTAGCACCTTCTTCTTTAGGGGTCTGTATCATGAGTTGAGGAT-3'
Protein context (NP_000255.2, residues 164-184): EEGANVLTTE[Ala174Val]LLQHLDSALQ

ClinVar aggregate classification (germline): Conflicting classifications of pathogenicity. Review status: criteria provided, conflicting classifications (1 of 4 stars). 5 submissions from 5 submitters: Uncertain significance (4); Likely benign (1). Last evaluated 2026-01-12.

Conditions:
Hereditary cancer-predisposing syndrome. Also called: Tumor predisposition; Hereditary neoplastic syndrome; Neoplastic Syndromes, Hereditary; Hereditary Cancer Syndrome. Identifiers: Orphanet 140162, MedGen C0027672, MeSH D009386, MONDO:0015356.
Gorlin syndrome. Also called: Nevoid Basal Cell Carcinoma Syndrome; Basal cell nevus syndrome. Identifiers: Orphanet 377, MedGen C0004779, MONDO:0007187.

Allele frequency attached by ClinVar (database versions not stated): gnomAD exomes below 0.00001; TOPMed 0.00001; gnomAD 0.00002.
gnomAD v4.1: 66 of 1,614,054 alleles (0.0041%); highest among the groups gnomAD compares: Non-Finnish European, 0.0053%; no homozygotes.

Submissions (5):

Labcorp Genetics (formerly Invitae), Labcorp
Classification: Likely benign for Gorlin syndrome. Last evaluated: 2026-01-12. Review status: criteria provided, single submitter. Criteria: Invitae Variant Classification Sherloc (09022015). Collection method: clinical testing. Allele origin: germline.

Ambry Genetics
Classification: Uncertain significance for Hereditary cancer-predisposing syndrome. Last evaluated: 2025-08-07. Review status: criteria provided, single submitter. Criteria: Ambry Variant Classification Scheme 2023. Collection method: clinical testing. Allele origin: germline.

Quest Diagnostics Nichols Institute San Juan Capistrano
Classification: Uncertain significance. Last evaluated: 2025-04-21. Review status: criteria provided, single submitter. Criteria: Quest Diagnostics criteria. Collection method: clinical testing. Allele origin: unknown.
Comment: The PTCH1 c.521C>T (p.Ala174Val) variant has not been reported in individuals with PTCH1-related conditions in the published literature. The frequency of this variant in the general population (Genome Aggregation Database) is uninformative in the assessment of its pathogenicity. Analysis of this variant using bioinformatics tools for the prediction of the effect of amino acid changes on protein structure and function yielded predictions that this variant is damaging. Based on the available information, we are unable to determine the clinical significance of this variant.

GeneDx
Classification: Uncertain significance. Last evaluated: 2024-02-28. Review status: criteria provided, single submitter. Criteria: GeneDx Variant Classification Process June 2021. Collection method: clinical testing. Allele origin: germline. Affected: yes.
Comment: Not observed at significant frequency in large population cohorts (gnomAD); In silico analysis supports that this missense variant has a deleterious effect on protein structure/function; Has not been previously published as pathogenic or benign to our knowledge; This variant is associated with the following publications: (PMID: 8906794)

CSER _CC_NCGL, University of Washington
Classification: Uncertain significance for Basal cell nevus syndrome. Last evaluated: 2015-12-01. Review status: criteria provided, single submitter. Criteria: Amendola et al. (Genome Res. 2015). Collection method: research. Allele origin: germline. Inheritance: Autosomal dominant inheritance. Study: CSER - NEXT Medicine variant annotation.
Comment: .GERP=5.860.ExAC Alt Allele Frequencies=unknown.